The following is an entry in ClinVar:

ClinVar aggregate classification (germline): Likely benign. Review status: criteria provided, single submitter (1 of 4 stars). 2 submissions from 2 submitters: Likely benign (1). 1 of the submissions does not count toward it. Last evaluated 2018-04-06.

Conditions:
UBR4-related disorder. Also called: UBR4-related condition.

Allele frequency attached by ClinVar (database versions not stated): ExAC 0.00002; gnomAD 0.00004 and 0.00005; gnomAD exomes 0.00004 and 0.00007; TOPMed 0.00006; ESP Exome Variant Server 0.00008; 1000 Genomes Project 30x 0.00016; 1000 Genomes Project 0.00020.
gnomAD v4.1: 109 of 1,582,086 alleles (0.0069%); highest among the groups gnomAD compares: Admixed American, 0.019%; no homozygotes.

Submissions (2):

Labcorp Genetics (formerly Invitae), Labcorp
Classification: Likely benign. Last evaluated: 2018-04-06. Review status: criteria provided, single submitter. Criteria: Invitae Variant Classification Sherloc (09022015). Collection method: clinical testing. Allele origin: germline.

PreventionGenetics, part of Exact Sciences
Classification: Likely benign for UBR4-related condition. Last evaluated: 2019-06-10. Review status: no assertion criteria provided. Collection method: clinical testing. Allele origin: germline. Not counted in ClinVar's aggregate classification.
Comment: This variant is classified as likely benign based on ACMG/AMP sequence variant interpretation guidelines (Richards et al. 2015 PMID: 25741868, with internal and published modifications).

NM_020765.3(UBR4):c.15233+8C>T

Genes: UBR4 (ubiquitin protein ligase E3 component n-recognin 4; minus strand), LOC126805640 (P300/CBP strongly-dependent group 1 enhancer GRCh37_chr1:19407589-19408788; plus strand). Cytogenetic location: 1p36.13.
Variant type: single nucleotide variant.
Coding change: c.15233+8C>T on transcript NM_020765.3 (MANE Select); 8 bases into the intron after coding-DNA position 15233, C replaced by T.
Molecular consequence: intron variant.
Genome position (GRCh38, 1-based): chr1:19,081,341, G>A on the plus strand (C>T on the coding strand, the complement: UBR4 is on the minus strand). VCF-style: chr1-19081341-G-A. GRCh37 (hg19) VCF-style: chr1-19407835-G-A.
Identifiers: ClinVar variation 741319 (VCV000741319.5), dbSNP rs188735164, ClinGen allele CA647946.